The following is an entry in ClinVar:

ClinVar aggregate classification (germline): Uncertain significance (1 of 4 stars; one submission).

Conditions:
Noonan syndrome 9 (NS9). Identifiers: Orphanet 648, MedGen C4225282, MONDO:0014691, OMIM 616559.

Submission:

Labcorp Genetics (formerly Invitae), Labcorp
Classification: Uncertain significance for Noonan syndrome 9. Last evaluated: 2022-10-03. Review status: criteria provided, single submitter. Criteria: Invitae Variant Classification Sherloc (09022015). Collection method: clinical testing. Allele origin: germline.
Comment: This sequence change results in a frameshift in the SOS2 gene (p.Pro1291Argfs*50). While this is not anticipated to result in nonsense mediated decay, it is expected to disrupt the last 42 amino acid(s) of the SOS2 protein and extend the protein by 7 additional amino acid residues. This variant is not present in population databases (gnomAD no frequency). This variant has not been reported in the literature in individuals affected with SOS2-related conditions. Experimental studies and prediction algorithms are not available or were not evaluated, and the functional significance of this variant is currently unknown. In summary, the available evidence is currently insufficient to determine the role of this variant in disease. Therefore, it has been classified as a Variant of Uncertain Significance.

NM_006939.4(SOS2):c.3872_3873del (p.Pro1291fs)

Gene: SOS2 (SOS Ras/Rho guanine nucleotide exchange factor 2; minus strand). Cytogenetic location: 14q21.3.
Variant type: Deletion.
Coding change: c.3872_3873del on transcript NM_006939.4 (MANE Select); coding-DNA positions 3872 to 3873, 2 bases deleted (CT; older notation c.3872_3873delCT).
Protein change: p.Pro1291fs; shifts the reading frame from proline 1291.
Molecular consequence: frameshift variant.
Genome position (GRCh38, 1-based): chr14:50,118,470-50,118,471, AG deleted on the plus strand (CT on the coding strand, the reverse complement: SOS2 is on the minus strand). VCF-style (leftmost placement, unchanged base first): chr14-50118469-CAG-C. GRCh37 (hg19) VCF-style: chr14-50585187-CAG-C.
Other names: c.3773_3774del, p.Pro1258fs (NM_001411020.1); short protein forms P1291fs, P1258fs.
Identifiers: ClinVar variation 2033839 (VCV002033839.4), dbSNP rs2502754492, ClinGen allele CA2580088165.